The following is an entry in ClinVar:

ClinVar aggregate classification (germline): Uncertain significance. Review status: criteria provided, multiple submitters, no conflicts (2 of 4 stars). 2 submissions from 2 submitters: Uncertain significance (2). Last evaluated 2021-09-02.

Conditions:
Zellweger spectrum disorders (ZS). Also called: Zellweger Spectrum Disorder; Zellweger Spectrum; Zellweger Spectrum Disorder (ZSD); Zellweger syndrome. Identifiers: Orphanet 912, MedGen C0043459, MONDO:0019609.

Allele frequency attached by ClinVar (database versions not stated): gnomAD exomes below 0.00001 and 0.00001; ExAC 0.00001; gnomAD 0.00001.
gnomAD v4.1: 4 of 1,518,550 alleles (0.00026%); highest among the groups gnomAD compares: East Asian, 0.0023%; no homozygotes.

Submissions (2):

Labcorp Genetics (formerly Invitae), Labcorp
Classification: Uncertain significance for Zellweger spectrum disorders. Last evaluated: 2021-09-02. Review status: criteria provided, single submitter. Criteria: Invitae Variant Classification Sherloc (09022015). Collection method: clinical testing. Allele origin: germline.
Comment: This sequence change replaces glutamic acid with lysine at codon 1258 of the PEX1 protein (p.Glu1258Lys). The glutamic acid residue is moderately conserved and there is a small physicochemical difference between glutamic acid and lysine. This variant is present in population databases (rs749050363, ExAC 0.01%). This variant has not been reported in the literature in individuals affected with PEX1-related conditions. ClinVar contains an entry for this variant (Variation ID: 595792). Algorithms developed to predict the effect of missense changes on protein structure and function are either unavailable or do not agree on the potential impact of this missense change (SIFT: "Tolerated"; PolyPhen-2: "Possibly Damaging"; Align-GVGD: "Class C0"). In summary, the available evidence is currently insufficient to determine the role of this variant in disease. Therefore, it has been classified as a Variant of Uncertain Significance.

Eurofins Ntd Llc (ga)
Classification: Uncertain significance. Last evaluated: 2018-01-22. Review status: criteria provided, single submitter. Criteria: EGL Classification Definitions 2015. Collection method: clinical testing. Allele origin: germline. Observed: 1 variant allele, 1 heterozygote.

NM_000466.3(PEX1):c.3772G>A (p.Glu1258Lys)

Genes: GATAD1 (GATA zinc finger domain containing 1; plus strand), PEX1 (peroxisomal biogenesis factor 1; minus strand). Cytogenetic location: 7q21.2.
Variant type: single nucleotide variant.
Coding change: c.3772G>A on transcript NM_000466.3 (MANE Select); coding-DNA position 3772, G replaced by A.
Protein change: p.Glu1258Lys; replaces glutamic acid 1258 with lysine.
Molecular consequence: missense variant.
Genome position (GRCh38, 1-based): chr7:92,487,537, C>T on the plus strand (G>A on the coding strand, the complement: PEX1 is on the minus strand). VCF-style: chr7-92487537-C-T. GRCh37 (hg19) VCF-style: chr7-92116851-C-T.
Other names: c.3601G>A, p.Glu1201Lys (NM_001282677.2); c.3148G>A, p.Glu1050Lys (NM_001282678.2); short protein forms E1258K, E1201K, E1050K.
Identifiers: ClinVar variation 595792 (VCV000595792.6), dbSNP rs749050363, ClinGen allele CA4340724.